The following is an entry in ClinVar:

ClinVar aggregate classification (germline): Uncertain significance (1 of 4 stars; one submission).

Submission:

Labcorp Genetics (formerly Invitae), Labcorp
Classification: Uncertain significance. Last evaluated: 2022-08-10. Review status: criteria provided, single submitter. Criteria: Invitae Variant Classification Sherloc (09022015). Collection method: clinical testing. Allele origin: germline.
Comment: In summary, the available evidence is currently insufficient to determine the role of this variant in disease. Therefore, it has been classified as a Variant of Uncertain Significance. This variant has not been reported in the literature in individuals affected with EYS-related conditions. This variant is a gross deletion of the genomic region encompassing exon(s) 7-8 of the EYS gene. This variant would be expected to be in-frame, preserving the integrity of the reading frame.

NC_000006.11:g.(?_66094259)_(66112518_?)del

Gene: EYS (eyes shut homolog; minus strand). Cytogenetic location: 6q12.
Variant type: Deletion.
Identifiers: ClinVar variation 1487127 (VCV001487127.5).